The following is an entry in ClinVar:

NM_001278716.2(FBXL4):c.1544del (p.Cys515fs)

Gene: FBXL4 (F-box and leucine rich repeat protein 4; minus strand). Cytogenetic location: 6q16.1.
Variant type: Deletion.
Coding change: c.1544del on transcript NM_001278716.2 (MANE Select); coding-DNA position 1544, one base deleted (G; older notation c.1544delG).
Protein change: p.Cys515fs; shifts the reading frame from cysteine 515.
Molecular consequence: frameshift variant. On other transcripts: non-coding transcript variant (1).
Genome position (GRCh38, 1-based): chr6:98,875,573, C deleted on the plus strand (G on the coding strand, the reverse complement: FBXL4 is on the minus strand). VCF-style (leftmost placement, unchanged base first): chr6-98875572-GC-G. GRCh37 (hg19) VCF-style: chr6-99323448-GC-G.
Other names: c.1544del, p.Cys515fs (NM_012160.5); short protein forms C515fs.
Identifiers: ClinVar variation 1696299 (VCV001696299.1), dbSNP rs2128375658, ClinGen allele CA2580075971.

ClinVar aggregate classification (germline): Likely pathogenic (1 of 4 stars; one submission).

Conditions:
Leigh syndrome (NULS). Also called: Leigh Disease; Subacute necrotizing encephalopathy; Necrotizing encephalopathy infantile subacute of Leigh; LEIGH SYNDROME, NUCLEAR; Leigh's necrotizing encephalopathy; Leigh's disease. Identifiers: Orphanet 506, MedGen C2931891, MONDO:0009723, OMIM 256000.

Submission:

Women's Health and Genetics/Laboratory Corporation of America, LabCorp
Classification: Likely pathogenic for Leigh syndrome. Last evaluated: 2022-05-12. Review status: criteria provided, single submitter. Criteria: LabCorp Variant Classification Summary - May 2015. Collection method: clinical testing. Allele origin: germline.
Comment: Variant summary: FBXL4 c.1544delG (p.Cys515SerfsX53) results in a premature termination codon, predicted to cause a truncation of the encoded protein or absence of the protein due to nonsense mediated decay, which are commonly known mechanisms for disease. Truncations downstream of this position have been classified as pathogenic by our laboratory. The variant was absent in 251026 control chromosomes. To our knowledge, no occurrence of c.1544delG in individuals affected with Leigh Syndrome and no experimental evidence demonstrating its impact on protein function have been reported. No clinical diagnostic laboratories have submitted clinical-significance assessments for this variant to ClinVar after 2014. Based on the evidence outlined above, the variant was classified as likely pathogenic.